The following is an entry in ClinVar:

ClinVar aggregate classification (germline): Uncertain significance (1 of 4 stars; one submission).

Submission:

Women's Health and Genetics/Laboratory Corporation of America, LabCorp
Classification: Uncertain significance. Last evaluated: 2025-02-06. Review status: criteria provided, single submitter. Criteria: LabCorp Variant Classification Summary - May 2015. Collection method: clinical testing. Allele origin: germline.
Comment: Variant summary: KAT6A c.3260G>T (p.Arg1087Leu) results in a non-conservative amino acid change in the encoded protein sequence. Four of five in-silico tools predict a benign effect of the variant on protein function. The variant was absent in 251448 control chromosomes. The available data on variant occurrences in the general population are insufficient to allow any conclusion about variant significance. To our knowledge, no occurrence of c.3260G>T in individuals affected with Arboleda-Tham Syndrome and no experimental evidence demonstrating its impact on protein function have been reported. No submitters have cited clinical-significance assessments for this variant to ClinVar. Based on the evidence outlined above, the variant was classified as uncertain significance.

NM_006766.5(KAT6A):c.3260G>T (p.Arg1087Leu)

Gene: KAT6A (lysine acetyltransferase 6A; minus strand). Cytogenetic location: 8p11.21.
Variant type: single nucleotide variant.
Coding change: c.3260G>T on transcript NM_006766.5 (MANE Select); coding-DNA position 3260, G replaced by T.
Protein change: p.Arg1087Leu; replaces arginine 1087 with leucine.
Molecular consequence: missense variant.
Genome position (GRCh38, 1-based): chr8:41,937,348, C>A on the plus strand (G>T on the coding strand, the complement: KAT6A is on the minus strand). VCF-style: chr8-41937348-C-A. GRCh37 (hg19) VCF-style: chr8-41794866-C-A.
Other names: short protein forms R1087L.
Identifiers: ClinVar variation 3768723 (VCV003768723.1).
Genomic context (GRCh38, chr8:41,937,348, plus strand): 5'-TCATCTTTAGACTTCCTCTTAGAAGAGGACTGACACCTGAGTACATCCTGCGAAGACAAA[C>A]GACGGAAGTATTCTCTAGGGAAAAGTTCATTTTCATCCTCTTCCTCCTCTTCTTCATCGA-3'
Protein context (NP_006757.2, residues 1077-1097): NELFPREYFR[Arg1087Leu]LSSQDVLRCQ